The following is an entry in ClinVar:

ClinVar aggregate classification (germline): Benign. Review status: criteria provided, multiple submitters, no conflicts (2 of 4 stars). 3 submissions from 2 submitters: Benign (3). Last evaluated 2018-01-12.

Conditions:
Long QT syndrome 5 (LQT5). Identifiers: Orphanet 101016, Orphanet 768, MedGen C1867904, MONDO:0013372, OMIM 613695.
Jervell and Lange-Nielsen syndrome 2 (JLNS2). Identifiers: Orphanet 768, Orphanet 90647, MedGen C2676723, MONDO:0012871, OMIM 612347.

Allele frequency attached by ClinVar (database versions not stated): 1000 Genomes Project 0.45128; gnomAD 0.48112.

Submissions (3):

Illumina Laboratory Services, Illumina
Classification: Benign for Jervell and Lange-Nielsen syndrome 2. Last evaluated: 2018-01-12. Review status: criteria provided, single submitter. Criteria: ICSL Variant Classification Criteria 13 December 2019. Collection method: clinical testing. Allele origin: germline.
Comment: This variant was observed in the ICSL laboratory as part of a predisposition screen in an ostensibly healthy population. It had not been previously curated by ICSL or reported in the Human Gene Mutation Database (HGMD: prior to June 1st, 2018), and was therefore a candidate for classification through an automated scoring system. Utilizing variant allele frequency, disease prevalence and penetrance estimates, and inheritance mode, an automated score was calculated to assess if this variant is too frequent to cause the disease. Based on the score and internal cut-off values, a variant classified as benign is not then subjected to further curation. The score for this variant resulted in a classification of benign for this disease.

Illumina Laboratory Services, Illumina
Classification: Benign for Long QT syndrome 5. Last evaluated: 2018-01-12. Review status: criteria provided, single submitter. Criteria: ICSL Variant Classification Criteria 13 December 2019. Collection method: clinical testing. Allele origin: germline.
Comment: the same text as in the submission from Illumina Laboratory Services, Illumina above.

Breakthrough Genomics
Classification: Benign. Review status: criteria provided, single submitter. Criteria: ACMG Guidelines, 2015. Collection method: not provided. Allele origin: germline. Inheritance: Autosomal recessive inheritance. Affected: yes.

NM_000219.6(KCNE1):c.*2480A>G

Gene: KCNE1 (potassium voltage-gated channel subfamily E regulatory subunit 1; minus strand). Cytogenetic location: 21q22.12.
Variant type: single nucleotide variant.
Coding change: c.*2480A>G on transcript NM_000219.6 (MANE Select); 2480 bases downstream of the stop codon, A replaced by G.
Molecular consequence: 3 prime UTR variant.
Genome position (GRCh38, 1-based): chr21:34,446,765, T>C on the plus strand (A>G on the coding strand, the complement: KCNE1 is on the minus strand). VCF-style: chr21-34446765-T-C. GRCh37 (hg19) VCF-style: chr21-35819063-T-C.
Other names: c.*2480A>G (NM_001127668.4, NM_001127669.4, NM_001127670.4 and 4 more transcripts).
Identifiers: ClinVar variation 339722 (VCV000339722.7), dbSNP rs3453, ClinGen allele CA10650378.